The following is an entry in ClinVar:

NM_006785.4(MALT1):c.1475+1G>A

Gene: MALT1 (MALT1 paracaspase; plus strand). Cytogenetic location: 18q21.32.
Variant type: single nucleotide variant.
Coding change: c.1475+1G>A on transcript NM_006785.4 (MANE Select); the canonical splice donor site of the intron after coding-DNA position 1475, G replaced by A.
Molecular consequence: splice donor variant.
Genome position (GRCh38, 1-based): chr18:58,734,382, G>A. VCF-style: chr18-58734382-G-A. GRCh37 (hg19) VCF-style: chr18-56401614-G-A.
Other names: c.1442+1G>A (NM_173844.3).
Identifiers: ClinVar variation 1466078 (VCV001466078.7), dbSNP rs888212988, ClinGen allele CA300956783.

ClinVar aggregate classification (germline): Likely pathogenic (1 of 4 stars; one submission).

Conditions:
Combined immunodeficiency due to MALT1 deficiency. Also called: Immunodeficiency 12. Identifiers: Orphanet 397964, MedGen C3809583, MONDO:0014197, OMIM 615468.

Allele frequency attached by ClinVar (database versions not stated): gnomAD exomes below 0.00001.
gnomAD v4.1: 5 of 1,609,478 alleles (0.00031%); highest among the groups gnomAD compares: East Asian, 0.0022%; no homozygotes.

Submissions (2):

Labcorp Genetics (formerly Invitae), Labcorp
Classification: Likely pathogenic for Combined immunodeficiency due to MALT1 deficiency. Last evaluated: 2021-09-27. Review status: criteria provided, single submitter. Criteria: Invitae Variant Classification Sherloc (09022015). Collection method: clinical testing. Allele origin: germline.
Comment: In summary, the currently available evidence indicates that the variant is pathogenic, but additional data are needed to prove that conclusively. Therefore, this variant has been classified as Likely Pathogenic. Algorithms developed to predict the effect of sequence changes on RNA splicing suggest that this variant may disrupt the consensus splice site. This variant has not been reported in the literature in individuals affected with MALT1-related conditions. This variant is not present in population databases (ExAC no frequency). This sequence change affects a donor splice site in intron 12 of the MALT1 gene. It is expected to disrupt RNA splicing. Variants that disrupt the donor or acceptor splice site typically lead to a loss of protein function (PMID: 16199547), and loss-of-function variants in MALT1 are known to be pathogenic (PMID: 23727036, 25627829).

Dr. Peter K. Rogan Lab, Western University
No classification provided (evidence only). Condition: Hepatocellular carcinoma. Review status: no classification provided. Collection method: in vitro. Allele origin: not applicable. Functional consequence: skipped exon, retained intron. Not counted in ClinVar's aggregate classification.

Literature cited by the submitters: PubMed 16199547 (cited by Labcorp Genetics (formerly Invitae), Labcorp); PubMed 23727036 (cited by Labcorp Genetics (formerly Invitae), Labcorp); PubMed 25627829 (cited by Labcorp Genetics (formerly Invitae), Labcorp).